The following is an entry in ClinVar:

NM_018723.4(RBFOX1):c.742G>C (p.Val248Leu)

Gene: RBFOX1 (RNA binding fox-1 homolog 1; plus strand). Cytogenetic location: 16p13.3.
Variant type: single nucleotide variant.
Coding change: c.742G>C on transcript NM_018723.4 (MANE Select); coding-DNA position 742, G replaced by C.
Protein change: p.Val248Leu; replaces valine 248 with leucine.
Molecular consequence: missense variant. On other transcripts: intron variant (1).
Genome position (GRCh38, 1-based): chr16:7,630,668, G>C. VCF-style: chr16-7630668-G-C. GRCh37 (hg19) VCF-style: chr16-7680670-G-C.
Other names: c.742G>C, p.Val248Leu (NM_001142334.2, NM_001364800.2); c.871G>C, p.Val291Leu (NM_001308117.1); c.802G>C, p.Val268Leu (NM_145891.3, NM_145892.3, NM_145893.3); c.677-23147G>C (NM_001142333.2); short protein forms V248L, V268L, V291L.
Identifiers: ClinVar variation 1043479 (VCV001043479.9), dbSNP rs757319815, ClinGen allele CA7891647.
Genomic context (GRCh38, chr16:7,630,668, plus strand): 5'-GTCCTGTTGTGCCAGGCCAACCAGGAGGGATCTTCCATGTACAGTGCCCCCAGTTCACTT[G>C]TATATACTTCTGCAAGTAAGCCCACTGTCGTGGCTCTTTTTGTTTTGTGACATAAATCTG-3'
Protein context (NP_061193.2, residues 238-258): SSMYSAPSSL[Val248Leu]YTSAMPGFPY

ClinVar aggregate classification (germline): Uncertain significance (1 of 4 stars; one submission).

Conditions:
Idiopathic generalized epilepsy. Also called: EIG; Generalised epilepsy. Identifiers: MedGen C0270850, MONDO:0005579, OMIM 600669.

Allele frequency attached by ClinVar (database versions not stated): gnomAD exomes below 0.00001; TOPMed below 0.00001; ExAC 0.00001.
gnomAD v4.1: 2 of 1,614,140 alleles (0.00012%); highest among the groups gnomAD compares: Non-Finnish European, 0.00017%; no homozygotes.

Submission:

Labcorp Genetics (formerly Invitae), Labcorp
Classification: Uncertain significance for Idiopathic generalized epilepsy. Last evaluated: 2022-06-13. Review status: criteria provided, single submitter. Criteria: Invitae Variant Classification Sherloc (09022015). Collection method: clinical testing. Allele origin: germline.
Comment: This sequence change replaces valine, which is neutral and non-polar, with leucine, which is neutral and non-polar, at codon 268 of the RBFOX1 protein (p.Val268Leu). In summary, the available evidence is currently insufficient to determine the role of this variant in disease. Therefore, it has been classified as a Variant of Uncertain Significance. Algorithms developed to predict the effect of sequence changes on RNA splicing suggest that this variant may create or strengthen a splice site. Algorithms developed to predict the effect of missense changes on protein structure and function (SIFT, PolyPhen-2, Align-GVGD) all suggest that this variant is likely to be tolerated. ClinVar contains an entry for this variant (Variation ID: 1043479). This variant has not been reported in the literature in individuals affected with RBFOX1-related conditions. This variant is present in population databases (rs757319815, gnomAD 0.007%).